The following is an entry in ClinVar:

ClinVar aggregate classification (germline): Uncertain significance. Review status: criteria provided, multiple submitters, no conflicts (2 of 4 stars). 2 submissions from 2 submitters: Uncertain significance (2). Last evaluated 2025-07-21.

Conditions:
Developmental and epileptic encephalopathy, 23 (DEE23). Also called: Epileptic encephalopathy, early infantile, 23. Identifiers: Orphanet 411986, MedGen C4014492, MONDO:0014371, OMIM 615859.

Allele frequency attached by ClinVar (database versions not stated): gnomAD 0.00001 and 0.00003; gnomAD exomes 0.00002 and 0.00004; TOPMed 0.00002; ExAC 0.00003; 1000 Genomes Project 30x 0.00016; 1000 Genomes Project 0.00020.
gnomAD v4.1: 33 of 1,584,220 alleles (0.0021%); highest among the groups gnomAD compares: South Asian, 0.018%; 1 homozygote.

Submissions (2):

Labcorp Genetics (formerly Invitae), Labcorp
Classification: Uncertain significance for Developmental and epileptic encephalopathy, 23. Last evaluated: 2025-07-21. Review status: criteria provided, single submitter. Criteria: Invitae Variant Classification Sherloc (09022015). Collection method: clinical testing. Allele origin: germline.
Comment: This sequence change replaces proline, which is neutral and non-polar, with leucine, which is neutral and non-polar, at codon 600 of the DOCK7 protein (p.Pro600Leu). This variant is present in population databases (rs570203355, gnomAD 0.02%), including at least one homozygous and/or hemizygous individual. This variant has not been reported in the literature in individuals affected with DOCK7-related conditions. ClinVar contains an entry for this variant (Variation ID: 541907). An algorithm developed to predict the effect of missense changes on protein structure and function (PolyPhen-2) suggests that this variant is likely to be tolerated. In summary, the available evidence is currently insufficient to determine the role of this variant in disease. Therefore, it has been classified as a Variant of Uncertain Significance.

GeneDx
Classification: Uncertain significance. Last evaluated: 2025-01-30. Review status: criteria provided, single submitter. Criteria: GeneDx Variant Classification Process June 2021. Collection method: clinical testing. Allele origin: germline. Affected: yes.
Comment: In silico analysis supports that this missense variant has a deleterious effect on protein structure/function; Has not been previously published as pathogenic or benign to our knowledge

NM_001367561.1(DOCK7):c.1799C>T (p.Pro600Leu)

Gene: DOCK7 (dedicator of cytokinesis 7; minus strand). Cytogenetic location: 1p31.3.
Variant type: single nucleotide variant.
Coding change: c.1799C>T on transcript NM_001367561.1 (MANE Select); coding-DNA position 1799, C replaced by T.
Protein change: p.Pro600Leu; replaces proline 600 with leucine.
Molecular consequence: missense variant.
Genome position (GRCh38, 1-based): chr1:62,586,508, G>A on the plus strand (C>T on the coding strand, the complement: DOCK7 is on the minus strand). VCF-style: chr1-62586508-G-A. GRCh37 (hg19) VCF-style: chr1-63052179-G-A.
Other names: c.1799C>T, p.Pro600Leu (NM_001271999.2, NM_001272000.2, NM_001272001.2 and 3 more transcripts); short protein forms P600L.
Identifiers: ClinVar variation 541907 (VCV000541907.10), dbSNP rs570203355, ClinGen allele CA886462.